The following is an entry in ClinVar:

ClinVar aggregate classification (germline): Uncertain significance (1 of 4 stars; one submission).

Conditions:
Cardiovascular phenotype. Identifiers: MedGen CN230736.

Allele frequency attached by ClinVar (database versions not stated): ExAC 0.00001; gnomAD 0.00001; TOPMed 0.00001; ESP Exome Variant Server 0.00008.
gnomAD v4.1: 2 of 1,613,976 alleles (0.00012%); highest among the groups gnomAD compares: African/African-American, 0.0027%; no homozygotes.

Submission:

Ambry Genetics
Classification: Uncertain significance for Cardiovascular phenotype. Last evaluated: 2019-08-02. Review status: criteria provided, single submitter. Criteria: Ambry Variant Classification Scheme 2023. Collection method: clinical testing. Allele origin: germline.
Comment: The p.I1882T variant (also known as c.5645T>C), located in coding exon 34 of the FLNC gene, results from a T to C substitution at nucleotide position 5645. The isoleucine at codon 1882 is replaced by threonine, an amino acid with similar properties. This amino acid position is well conserved in available vertebrate species. In addition, this alteration is predicted to be deleterious by in silico analysis. Since supporting evidence is limited at this time, the clinical significance of this alteration remains unclear.

NM_001458.5(FLNC):c.5645T>C (p.Ile1882Thr)

Genes: FLNC (filamin C; plus strand), FLNC-AS1 (FLNC antisense RNA 1; minus strand). Cytogenetic location: 7q32.1.
Variant type: single nucleotide variant.
Coding change: c.5645T>C on transcript NM_001458.5 (MANE Select); coding-DNA position 5645, T replaced by C.
Protein change: p.Ile1882Thr; replaces isoleucine 1882 with threonine.
Molecular consequence: missense variant.
Genome position (GRCh38, 1-based): chr7:128,851,337, T>C. VCF-style: chr7-128851337-T-C. GRCh37 (hg19) VCF-style: chr7-128491391-T-C.
Other names: c.5546T>C, p.Ile1849Thr (NM_001127487.2); short protein forms I1849T, I1882T.
Identifiers: ClinVar variation 1748812 (VCV001748812.2), dbSNP rs368478867, ClinGen allele CA4475741.